The following is an entry in ClinVar:

ClinVar aggregate classification (germline): Likely benign (1 of 4 stars; one submission).

Submission:

GeneDx
Classification: Likely benign. Last evaluated: 2016-03-08. Review status: criteria provided, single submitter. Criteria: GeneDx Variant Classification (06012015). Collection method: clinical testing. Allele origin: germline. Affected: yes.
Comment: This variant is considered likely benign or benign based on one or more of the following criteria: it is a conservative change, it occurs at a poorly conserved position in the protein, it is predicted to be benign by multiple in silico algorithms, and/or has population frequency not consistent with disease.

NM_020166.5(MCCC1):c.1941C>A (p.Gly647=)

Gene: MCCC1 (methylcrotonyl-CoA carboxylase subunit 1; minus strand). Cytogenetic location: 3q27.1.
Variant type: single nucleotide variant.
Coding change: c.1941C>A on transcript NM_020166.5 (MANE Select); coding-DNA position 1941, C replaced by A.
Protein change: p.Gly647=; no amino-acid change (glycine 647 retained).
Molecular consequence: synonymous variant. On other transcripts: non-coding transcript variant (2).
Genome position (GRCh38, 1-based): chr3:183,020,166, G>T on the plus strand (C>A on the coding strand, the complement: MCCC1 is on the minus strand). VCF-style: chr3-183020166-G-T. GRCh37 (hg19) VCF-style: chr3-182737954-G-T.
Other names: c.1590C>A, p.Gly530= (NM_001293273.2); c.1614C>A, p.Gly538= (NM_001363880.1).
Identifiers: ClinVar variation 384256 (VCV000384256.1), dbSNP rs199528231, ClinGen allele CA16604490.